The following is an entry in ClinVar:

NM_000326.5(RLBP1):c.28A>G (p.Met10Val)

Gene: RLBP1 (retinaldehyde binding protein 1; minus strand). Cytogenetic location: 15q26.1.
Variant type: single nucleotide variant.
Coding change: c.28A>G on transcript NM_000326.5 (MANE Select); coding-DNA position 28, A replaced by G.
Protein change: p.Met10Val; replaces methionine 10 with valine.
Molecular consequence: missense variant.
Genome position (GRCh38, 1-based): chr15:89,218,678, T>C on the plus strand (A>G on the coding strand, the complement: RLBP1 is on the minus strand). VCF-style: chr15-89218678-T-C. GRCh37 (hg19) VCF-style: chr15-89761909-T-C.
Other names: short protein forms M10V.
Identifiers: ClinVar variation 1394363 (VCV001394363.6), dbSNP rs1175301117, ClinGen allele CA393731897.

ClinVar aggregate classification (germline): Uncertain significance (1 of 4 stars; one submission).

Allele frequency attached by ClinVar (database versions not stated): TOPMed below 0.00001.

Submission:

Labcorp Genetics (formerly Invitae), Labcorp
Classification: Uncertain significance. Last evaluated: 2023-07-17. Review status: criteria provided, single submitter. Criteria: Invitae Variant Classification Sherloc (09022015). Collection method: clinical testing. Allele origin: germline.
Comment: In summary, the available evidence is currently insufficient to determine the role of this variant in disease. Therefore, it has been classified as a Variant of Uncertain Significance. Algorithms developed to predict the effect of missense changes on protein structure and function output the following: SIFT: "Not Available"; PolyPhen-2: "Benign"; Align-GVGD: "Not Available". The valine amino acid residue is found in multiple mammalian species, which suggests that this missense change does not adversely affect protein function. ClinVar contains an entry for this variant (Variation ID: 1394363). This variant has not been reported in the literature in individuals affected with RLBP1-related conditions. This variant is present in population databases (no rsID available, gnomAD 0.0009%). This sequence change replaces methionine, which is neutral and non-polar, with valine, which is neutral and non-polar, at codon 10 of the RLBP1 protein (p.Met10Val).